The following is an entry in ClinVar:

NM_001080394.4(SPIDR):c.526-8T>C

Gene: SPIDR (scaffold protein involved in DNA repair; plus strand). Cytogenetic location: 8q11.21.
Variant type: single nucleotide variant.
Coding change: c.526-8T>C on transcript NM_001080394.4 (MANE Select); 8 bases into the intron before coding-DNA position 526, T replaced by C.
Molecular consequence: intron variant.
Genome position (GRCh38, 1-based): chr8:47,396,368, T>C. VCF-style: chr8-47396368-T-C. GRCh37 (hg19) VCF-style: chr8-48308928-T-C.
Other names: c.-758-8T>C (NM_001352958.1); c.-132-8T>C (NM_001352949.1, NM_001352942.1); c.526-8T>C (NM_001352931.1, NM_001352934.1, NM_001352961.1); c.27-11493T>C (NM_001352951.1, NM_001352948.1, NM_001352947.1 and 1 more transcripts); c.-56-43955T>C (NM_001352955.1, NM_001352957.1, NM_001352953.1); c.406-8T>C (NM_001352932.1); c.34-8T>C (NM_001352940.1, NM_001352950.1, NM_001352943.1 and 2 more transcripts); c.-157-11493T>C (NM_001352952.1, NM_001352956.1); and 4 more.
Identifiers: ClinVar variation 3026801 (VCV003026801.22), dbSNP rs782040070, ClinGen allele CA4737930.

ClinVar aggregate classification (germline): Likely benign (1 of 4 stars; one submission).

Allele frequency attached by ClinVar (database versions not stated): gnomAD exomes 0.00001; ExAC 0.00004; gnomAD 0.00013; TOPMed 0.00014.
gnomAD v4.1: 35 of 1,582,058 alleles (0.0022%); highest among the groups gnomAD compares: African/African-American, 0.043%; no homozygotes.

Submission:

CeGaT Center for Human Genetics Tuebingen
Classification: Likely benign. Last evaluated: 2024-01-01. Review status: criteria provided, single submitter. Criteria: CeGaT Center For Human Genetics Tuebingen Variant Classification Criteria Version 2. Collection method: clinical testing. Allele origin: germline. Affected: yes. Observed: 1 variant allele.
Comment: SPIDR: BP4